The following is an entry in ClinVar:

ClinVar aggregate classification (germline): Uncertain significance (1 of 4 stars; one submission).

Allele frequency attached by ClinVar (database versions not stated): TOPMed below 0.00001; ExAC 0.00001; gnomAD 0.00002.

Submission:

Labcorp Genetics (formerly Invitae), Labcorp
Classification: Uncertain significance. Last evaluated: 2022-03-03. Review status: criteria provided, single submitter. Criteria: Invitae Variant Classification Sherloc (09022015). Collection method: clinical testing. Allele origin: germline.
Comment: This sequence change replaces glutamine, which is neutral and polar, with histidine, which is basic and polar, at codon 663 of the MTTP protein (p.Gln663His). This variant also falls at the last nucleotide of exon 15, which is part of the consensus splice site for this exon. This variant is present in population databases (rs755299742, gnomAD 0.008%). This variant has not been reported in the literature in individuals affected with MTTP-related conditions. ClinVar contains an entry for this variant (Variation ID: 1056973). Algorithms developed to predict the effect of missense changes on protein structure and function are either unavailable or do not agree on the potential impact of this missense change (SIFT: "Deleterious"; PolyPhen-2: "Probably Damaging"; Align-GVGD: "Class C0"). Variants that disrupt the consensus splice site are a relatively common cause of aberrant splicing (PMID: 17576681, 9536098). Algorithms developed to predict the effect of sequence changes on RNA splicing suggest that this variant may disrupt the consensus splice site. In summary, the available evidence is currently insufficient to determine the role of this variant in disease. Therefore, it has been classified as a Variant of Uncertain Significance.

Literature cited by the submitters: PubMed 17576681; PubMed 9536098.

NM_001386140.1(MTTP):c.1989G>T (p.Gln663His)

Gene: MTTP (microsomal triglyceride transfer protein; plus strand). Cytogenetic location: 4q23.
Variant type: single nucleotide variant.
Coding change: c.1989G>T on transcript NM_001386140.1 (MANE Select); coding-DNA position 1989, G replaced by T.
Protein change: p.Gln663His; replaces glutamine 663 with histidine.
Molecular consequence: missense variant.
Genome position (GRCh38, 1-based): chr4:99,611,453, G>T. VCF-style: chr4-99611453-G-T. GRCh37 (hg19) VCF-style: chr4-100532610-G-T.
Other names: c.1989G>T, p.Gln663His (NM_000253.4); c.1740G>T, p.Gln580His (NM_001300785.2); short protein forms Q580H, Q663H.
Identifiers: ClinVar variation 1056973 (VCV001056973.2), dbSNP rs755299742, ClinGen allele CA3022260.